The following is an entry in ClinVar:

ClinVar aggregate classification (germline): Uncertain significance (1 of 4 stars; one submission).

Conditions:
Hereditary pheochromocytoma and paraganglioma. Also called: Hereditary pheochromocytoma-paraganglioma; Hereditary Paraganglioma-Pheochromocytoma Syndromes; Hereditary paragangliomas and pheochromocytomas. Identifiers: Orphanet 29072, MedGen C4274332, MONDO:0017366.

gnomAD v4.1: 2 of 1,614,052 alleles (0.00012%); highest among the groups gnomAD compares: Non-Finnish European, 0.00017%; no homozygotes.

Submission:

Labcorp Genetics (formerly Invitae), Labcorp
Classification: Uncertain significance for Hereditary pheochromocytoma and paraganglioma. Last evaluated: 2021-04-02. Review status: criteria provided, single submitter. Criteria: Invitae Variant Classification Sherloc (09022015). Collection method: clinical testing. Allele origin: germline.
Comment: In summary, the available evidence is currently insufficient to determine the role of this variant in disease. Therefore, it has been classified as a Variant of Uncertain Significance. Algorithms developed to predict the effect of missense changes on protein structure and function are either unavailable or do not agree on the potential impact of this missense change (SIFT: "Tolerated"; PolyPhen-2: "Possibly Damaging"; Align-GVGD: "Class C0"). This variant has not been reported in the literature in individuals with TMEM127-related conditions. This variant is present in population databases (rs779277417, ExAC 0.001%). This sequence change replaces arginine with leucine at codon 128 of the TMEM127 protein (p.Arg128Leu). The arginine residue is highly conserved and there is a moderate physicochemical difference between arginine and leucine.

NM_017849.4(TMEM127):c.383G>T (p.Arg128Leu)

Gene: TMEM127 (transmembrane protein 127; minus strand). Cytogenetic location: 2q11.2.
Variant type: single nucleotide variant.
Coding change: c.383G>T on transcript NM_017849.4 (MANE Select); coding-DNA position 383, G replaced by T.
Protein change: p.Arg128Leu; replaces arginine 128 with leucine.
Molecular consequence: missense variant.
Genome position (GRCh38, 1-based): chr2:96,254,859, C>A on the plus strand (G>T on the coding strand, the complement: TMEM127 is on the minus strand). VCF-style: chr2-96254859-C-A. GRCh37 (hg19) VCF-style: chr2-96920597-C-A.
Other names: c.383G>T, p.Arg128Leu (NM_001193304.3); short protein forms R128L.
Identifiers: ClinVar variation 957970 (VCV000957970.9), dbSNP rs779277417, ClinGen allele CA1777338.